The following is an entry in ClinVar:

NM_000353.3(TAT):c.966del (p.Ile322fs)

Genes: TAT (tyrosine aminotransferase; minus strand), TAT-AS1 (TAT antisense RNA 1; plus strand). Cytogenetic location: 16q22.2.
Variant type: Deletion.
Coding change: c.966del on transcript NM_000353.3 (MANE Select); coding-DNA position 966, one base deleted (T; older notation c.966delT).
Protein change: p.Ile322fs; shifts the reading frame from isoleucine 322.
Molecular consequence: frameshift variant.
Genome position (GRCh38, 1-based): chr16:71,570,344, A deleted on the plus strand (T on the coding strand, the reverse complement: TAT is on the minus strand); the first of 2 consecutive A bases (chr16:71,570,344-71,570,345); deleting either gives the same sequence. VCF-style (leftmost placement, unchanged base first): chr16-71570343-CA-C. GRCh37 (hg19) VCF-style: chr16-71604246-CA-C.
Other names: short protein forms I322fs.
Identifiers: ClinVar variation 1440254 (VCV001440254.6), dbSNP rs2145230737, ClinGen allele CA2573152622.

ClinVar aggregate classification (germline): Pathogenic (1 of 4 stars; one submission).

Conditions:
Tyrosinemia type II (TYRSN2). Also called: KERATOSIS PALMOPLANTARIS WITH CORNEAL DYSTROPHY; OREGON TYPE TYROSINEMIA; TAT DEFICIENCY; TYROSINE AMINOTRANSFERASE DEFICIENCY; TYROSINE TRANSAMINASE DEFICIENCY. Identifiers: Orphanet 28378, MedGen C0268487, MONDO:0010160, OMIM 276600.

Submission:

Labcorp Genetics (formerly Invitae), Labcorp
Classification: Pathogenic for Tyrosinemia type II. Last evaluated: 2021-02-18. Review status: criteria provided, single submitter. Criteria: Invitae Variant Classification Sherloc (09022015). Collection method: clinical testing. Allele origin: germline.
Comment: For these reasons, this variant has been classified as Pathogenic. This variant has not been reported in the literature in individuals with TAT-related conditions. This variant is not present in population databases (ExAC no frequency). This sequence change creates a premature translational stop signal (p.Ile322Metfs*6) in the TAT gene. It is expected to result in an absent or disrupted protein product. Loss-of-function variants in TAT are known to be pathogenic (PMID: 9544843).

Literature cited by the submitters: PubMed 9544843.